The following is an entry in ClinVar:

ClinVar aggregate classification (germline): Benign/Likely benign. Review status: criteria provided, multiple submitters, no conflicts (2 of 4 stars). 12 submissions from 12 submitters: Benign (2); Likely benign (6). 4 of the submissions do not count toward it. Last evaluated 2026-05-01.

Conditions:
Polycystic kidney disease, adult type (PKD1). Also called: Polycystic Kidney, Autosomal Dominant; POLYCYSTIC KIDNEY DISEASE 1 WITH OR WITHOUT POLYCYSTIC LIVER DISEASE; Polycystic Kidney Disease 1, Autosomal Dominant; Polycystic kidney disease 1; Polycystic kidney disease 1, severe; POLYCYSTIC KIDNEY DISEASE, ADULT, TYPE I. Identifiers: MedGen C3149841, MONDO:0008263, OMIM 173900.
Polycystic kidney disease. Also called: Polycystic kidney dysplasia; Kidney, Polycystic. Identifiers: MedGen C0022680, MeSH D007690, MONDO:0020642, HP:0000113.

Allele frequency attached by ClinVar (database versions not stated): ESP Exome Variant Server 0.00190; gnomAD 0.00220 and 0.00237; gnomAD exomes 0.00236 and 0.00164; TOPMed 0.00283; 1000 Genomes Project 30x 0.00109; 1000 Genomes Project 0.00120; ExAC 0.00139.
gnomAD v4.1: 3,666 of 1,564,930 alleles (0.23%); highest among the groups gnomAD compares: Admixed American, 0.41%; 7 homozygotes.

Submissions (12):

CeGaT Center for Human Genetics Tuebingen
Classification: Likely benign. Last evaluated: 2026-05-01. Review status: criteria provided, single submitter. Criteria: CeGaT Center For Human Genetics Tuebingen Variant Classification Criteria Version 2. Collection method: clinical testing. Allele origin: germline. Affected: yes. Observed: 5 variant alleles.
Comment: PKD1: BP4, BP7

Women's Health and Genetics/Laboratory Corporation of America, LabCorp
Classification: Likely benign. Last evaluated: 2025-03-14. Review status: criteria provided, single submitter. Criteria: LabCorp Variant Classification Summary - May 2015. Collection method: clinical testing. Allele origin: germline.

Mayo Clinic Laboratories, Mayo Clinic
Classification: Likely benign. Last evaluated: 2025-02-17. Review status: criteria provided, single submitter. Criteria: ACMG Guidelines, 2015. Collection method: clinical testing. Allele origin: germline. Observed: 2 variant alleles.
Comment: BS1, BP4, BP7

Blueprint Genetics
Classification: Likely benign. Last evaluated: 2024-11-23. Review status: criteria provided, single submitter. Criteria: ACMG Guidelines, 2015. Collection method: clinical testing. Allele origin: germline.

GeneDx
Classification: Likely benign. Last evaluated: 2019-12-04. Review status: criteria provided, single submitter. Criteria: GeneDx Variant Classification Process June 2021. Collection method: clinical testing. Allele origin: germline. Affected: yes.
Comment: This variant is associated with the following publications: (PMID: 22383692, 17574468)

ARUP Laboratories, Molecular Genetics and Genomics, ARUP Laboratories
Classification: Benign for Polycystic kidney disease, adult type. Last evaluated: 2019-02-20. Review status: criteria provided, single submitter. Criteria: ARUP Molecular Germline Variant Investigation Process. Collection method: clinical testing. Allele origin: germline.

Athena Diagnostics
Classification: Benign. Last evaluated: 2018-05-09. Review status: criteria provided, single submitter. Criteria: Athena Diagnostics Criteria. Collection method: clinical testing. Allele origin: germline.

Breakthrough Genomics
Classification: Likely benign. Review status: criteria provided, single submitter. Criteria: ACMG Guidelines, 2015. Collection method: not provided. Allele origin: germline. Inheritance: Autosomal dominant inheritance. Affected: yes.

Department of Pathology and Laboratory Medicine, Sinai Health System
Classification: Benign for Polycystic Kidney disease. Review status: no assertion criteria provided. Collection method: clinical testing. Allele origin: unknown. Affected: yes. Observed: 1 variant allele. Study: The Canadian Open Genetics Repository (COGR). Not counted in ClinVar's aggregate classification.
Comment: The PKD1 p.Ser3265= variant was identified in 3 of 530 proband chromosomes (frequency: 0.006) from individuals or families with ADPKD, and was not identified in 342 control chromosomes from healthy individuals (Garcia-Gonzalez 2007, Rossetti 2012). The variant was also identified in dbSNP (ID: rs150949575) as â€šÃ„ÃºNAâ€šÃ„Ã¹, ADPKD Mutation Database (likely neutral), the 1000 Genomes Project in 6 of 5008 chromosomes (frequency: 0.001) the NHLBI GO Exome Sequencing Project in 22 of 8382 European American alleles (freq: 0.003) and 2 in 4268 African American alleles (freq: 0.0005), the genome Aggregation Database (beta, October 19th 2016) in 295 of 192204 chromosomes (freq. 0.002), the Exome Aggregation Consortium database (August 8th 2016) in 31 of 22232 chromosomes (freq. 0.0014) in the following populations: Latino in 2 of 592 chromosomes (freq. 0.003), European in 28 of 8570 chromosomes (freq. 0.003) and African in 1 of 2192 chromosomes (freq. 0.0005), but was not seen in East Asian, Finnish, other and South Asian populations, increasing the likelihood this could be a low frequency benign variant. In addition we cannot be certain that data from control databases is specific to PKD1 and not from one of the six PKD1 pseudogenes. The variant was not identified in HAPMAP, GeneInsight COGR, ClinVar, Clinvitae, MutDB, PKD1-LOVD, and PKD1-LOVD 3.0. The p.Ser3265= variant is not expected to have clinical significance because it does not result in a change of amino acid and is not located in a known consensus splice site. In addition, in silico or computational prediction software programs (SpliceSiteFinder, MaxEntScan, NNSPLICE, GeneSplicer, HumanSpliceFinder) do not predict a difference in splicing. In summary, based on the above information, this variant meets our laboratory criteria to be classified as benign.

Genome Diagnostics Laboratory, University Medical Center Utrecht
Classification: Likely benign. Review status: no assertion criteria provided. Collection method: clinical testing. Allele origin: germline. Affected: yes. Study: VKGL Data-share Consensus. Not counted in ClinVar's aggregate classification.

Joint Genome Diagnostic Labs from Nijmegen and Maastricht, Radboudumc and MUMC+
Classification: Benign. Review status: no assertion criteria provided. Collection method: clinical testing. Allele origin: germline. Affected: yes. Study: VKGL Data-share Consensus. Not counted in ClinVar's aggregate classification.

Laboratory of Diagnostic Genome Analysis, Leiden University Medical Center (LUMC)
Classification: Likely benign. Review status: no assertion criteria provided. Collection method: clinical testing. Allele origin: germline. Affected: yes. Study: VKGL Data-share Consensus. Not counted in ClinVar's aggregate classification.

Literature cited by the submitters: PubMed 22383692 (cited by Athena Diagnostics); PubMed 17574468 (cited by Athena Diagnostics).

NM_001009944.3(PKD1):c.9795C>T (p.Ser3265=)

Gene: PKD1 (polycystin 1, transient receptor potential channel interacting; minus strand). Cytogenetic location: 16p13.3.
Variant type: single nucleotide variant.
Coding change: c.9795C>T on transcript NM_001009944.3 (MANE Select); coding-DNA position 9795, C replaced by T.
Protein change: p.Ser3265=; no amino-acid change (serine 3265 retained).
Molecular consequence: synonymous variant.
Genome position (GRCh38, 1-based): chr16:2,099,989, G>A on the plus strand (C>T on the coding strand, the complement: PKD1 is on the minus strand). VCF-style: chr16-2099989-G-A. GRCh37 (hg19) VCF-style: chr16-2149990-G-A.
Other names: p.Ser3265=; c.9795C>T, p.Ser3265= (NM_000296.4).
Identifiers: ClinVar variation 586309 (VCV000586309.43), dbSNP rs150949575, ClinGen allele CA7829918.